The following is an entry in ClinVar:

ClinVar aggregate classification (germline): Conflicting classifications of pathogenicity. Review status: criteria provided, conflicting classifications (1 of 4 stars). 4 submissions from 4 submitters: Uncertain significance (3); Likely benign (1). Last evaluated 2025-12-29.

Conditions:
Cardiovascular phenotype. Identifiers: MedGen CN230736.
LAMA4-related disorder. Also called: LAMA4-related condition.
Dilated cardiomyopathy 1JJ (CMD1JJ). Identifiers: Orphanet 154, MedGen C3808935, MONDO:0014095, OMIM 615235.

Allele frequency attached by ClinVar (database versions not stated): ExAC 0.00005; TOPMed 0.00005; gnomAD exomes 0.00007; gnomAD 0.00008.
gnomAD v4.1: 68 of 1,613,996 alleles (0.0042%); highest among the groups gnomAD compares: Middle Eastern, 0.033%; no homozygotes.

Submissions (4):

Labcorp Genetics (formerly Invitae), Labcorp
Classification: Uncertain significance for Dilated cardiomyopathy 1JJ. Last evaluated: 2025-12-29. Review status: criteria provided, single submitter. Criteria: Invitae Variant Classification Sherloc (09022015). Collection method: clinical testing. Allele origin: germline.
Comment: This sequence change replaces arginine, which is basic and polar, with histidine, which is basic and polar, at codon 723 of the LAMA4 protein (p.Arg723His). This variant is present in population databases (rs781825990, gnomAD 0.08%), and has an allele count higher than expected for a pathogenic variant. This variant has not been reported in the literature in individuals affected with LAMA4-related conditions. ClinVar contains an entry for this variant (Variation ID: 222681). Invitae Evidence Modeling of protein sequence and biophysical properties (such as structural, functional, and spatial information, amino acid conservation, physicochemical variation, residue mobility, and thermodynamic stability) has been performed for this missense variant. However, the output from this modeling did not meet the statistical confidence thresholds required to predict the impact of this variant on LAMA4 protein function. In summary, the available evidence is currently insufficient to determine the role of this variant in disease. Therefore, it has been classified as a Variant of Uncertain Significance.

PreventionGenetics, part of Exact Sciences
Classification: Likely benign for LAMA4-related condition. Last evaluated: 2025-01-10. Review status: criteria provided, single submitter. Criteria: ACMG Guidelines, 2015. Collection method: clinical testing. Allele origin: germline.
Comment: This variant is classified as likely benign based on ACMG/AMP sequence variant interpretation guidelines (Richards et al. 2015 PMID: 25741868, with internal and published modifications).

GeneDx
Classification: Uncertain significance. Last evaluated: 2024-07-23. Review status: criteria provided, single submitter. Criteria: GeneDx Variant Classification Process June 2021. Collection method: clinical testing. Allele origin: germline. Affected: yes.
Comment: In silico analysis supports that this missense variant does not alter protein structure/function; Has not been previously published as pathogenic or benign to our knowledge

Ambry Genetics
Classification: Uncertain significance for Cardiovascular phenotype. Last evaluated: 2024-01-12. Review status: criteria provided, single submitter. Criteria: Ambry Variant Classification Scheme 2023. Collection method: clinical testing. Allele origin: germline.
Comment: The p.R723H variant (also known as c.2168G>A), located in coding exon 17 of the LAMA4 gene, results from a G to A substitution at nucleotide position 2168. The arginine at codon 723 is replaced by histidine, an amino acid with highly similar properties. This amino acid position is highly conserved in available vertebrate species. In addition, the in silico prediction for this alteration is inconclusive. Since supporting evidence is limited at this time, the clinical significance of this alteration remains unclear.

NM_001105206.3(LAMA4):c.2189G>A (p.Arg730His)

Gene: LAMA4 (laminin subunit alpha 4; minus strand). Cytogenetic location: 6q21.
Variant type: single nucleotide variant.
Coding change: c.2189G>A on transcript NM_001105206.3 (MANE Select); coding-DNA position 2189, G replaced by A.
Protein change: p.Arg730His; replaces arginine 730 with histidine.
Molecular consequence: missense variant.
Genome position (GRCh38, 1-based): chr6:112,148,321, C>T on the plus strand (G>A on the coding strand, the complement: LAMA4 is on the minus strand). VCF-style: chr6-112148321-C-T. GRCh37 (hg19) VCF-style: chr6-112469523-C-T.
Other names: c.2168G>A, p.Arg723His (NM_001105207.3, NM_002290.5); short protein forms R723H, R730H.
Identifiers: ClinVar variation 222681 (VCV000222681.15), dbSNP rs781825990, ClinGen allele CA079865.